The following is an entry in ClinVar:

ClinVar aggregate classification (germline): Uncertain significance (1 of 4 stars; one submission).

Conditions:
Dilated cardiomyopathy 1G (CMD1G). Identifiers: Orphanet 154, MedGen C1858763, MONDO:0011400, OMIM 604145.
Autosomal recessive limb-girdle muscular dystrophy type 2J (LGMDR10). Also called: MUSCULAR DYSTROPHY, LIMB-GIRDLE, AUTOSOMAL RECESSIVE 10; Limb-girdle muscular dystrophy, type 2J. Identifiers: Orphanet 140922, MedGen C1837342, MONDO:0012127, OMIM 608807.

Allele frequency attached by ClinVar (database versions not stated): gnomAD 0.00001; gnomAD exomes 0.00001 and 0.00008; ExAC 0.00002; TOPMed 0.00003.
gnomAD v4.1: 19 of 1,613,878 alleles (0.0012%); highest among the groups gnomAD compares: East Asian, 0.042%; 1 homozygote.

Submission:

Labcorp Genetics (formerly Invitae), Labcorp
Classification: Uncertain significance for Dilated cardiomyopathy 1G; Autosomal recessive limb-girdle muscular dystrophy type 2J. Last evaluated: 2024-12-31. Review status: criteria provided, single submitter. Criteria: Invitae Variant Classification Sherloc (09022015). Collection method: clinical testing. Allele origin: germline.
Comment: This sequence change replaces leucine, which is neutral and non-polar, with valine, which is neutral and non-polar, at codon 34997 of the TTN protein (p.Leu34997Val). This variant is present in population databases (rs771364302, gnomAD 0.1%). This missense change has been observed in individual(s) with dilated cardiomyopathy (PMID: 31983221). ClinVar contains an entry for this variant (Variation ID: 1430428). Experimental studies and prediction algorithms are not available or were not evaluated, and the functional significance of this variant is currently unknown. This variant is located in the M band of TTN (PMID: 25589632). Non-truncating variants in this region may be relevant for neuromuscular disorders, but have not been definitively shown to cause cardiomyopathy (PMID: 23975875). In summary, the available evidence is currently insufficient to determine the role of this variant in disease. Therefore, it has been classified as a Variant of Uncertain Significance.

Literature cited by the submitters: PubMed 31983221; PubMed 25589632; PubMed 23975875.

NM_001267550.2(TTN):c.104989C>G (p.Leu34997Val)

Genes: TTN-AS1 (TTN antisense RNA 1; plus strand), TTN (titin; minus strand). Cytogenetic location: 2q31.2.
Variant type: single nucleotide variant.
Coding change: c.104989C>G on transcript NM_001267550.2 (MANE Select); coding-DNA position 104989, C replaced by G.
Protein change: p.Leu34997Val; replaces leucine 34997 with valine.
Molecular consequence: missense variant.
Genome position (GRCh38, 1-based): chr2:178,531,626, G>C on the plus strand (C>G on the coding strand, the complement: TTN is on the minus strand). VCF-style: chr2-178531626-G-C. GRCh37 (hg19) VCF-style: chr2-179396353-G-C.
Other names: c.100066C>G, p.Leu33356Val (NM_001256850.1); c.77794C>G, p.Leu25932Val (NM_003319.4); c.97285C>G, p.Leu32429Val (NM_133378.4); c.78169C>G, p.Leu26057Val (NM_133432.3); c.78370C>G, p.Leu26124Val (NM_133437.4); short protein forms L25932V, L26057V, L26124V, L34997V, L32429V, L33356V.
Identifiers: ClinVar variation 1430428 (VCV001430428.9), dbSNP rs771364302, ClinGen allele CA1985326.